The following is an entry in ClinVar:

NM_001374828.1(ARID1B):c.5042C>G (p.Ser1681Cys)

Gene: ARID1B (AT-rich interaction domain 1B; plus strand). Cytogenetic location: 6q25.3.
Variant type: single nucleotide variant.
Coding change: c.5042C>G on transcript NM_001374828.1 (MANE Select); coding-DNA position 5042, C replaced by G.
Protein change: p.Ser1681Cys; replaces serine 1681 with cysteine.
Molecular consequence: missense variant.
Genome position (GRCh38, 1-based): chr6:157,201,267, C>G. VCF-style: chr6-157201267-C-G. GRCh37 (hg19) VCF-style: chr6-157522401-C-G.
Other names: c.4673C>G, p.Ser1558Cys (NM_020732.3); c.2543C>G, p.Ser848Cys (NM_001363725.2); c.4922C>G, p.Ser1641Cys (NM_001371656.1, NM_001374820.1); c.4883C>G, p.Ser1628Cys (NM_017519.3); short protein forms S1558C, S848C, S1628C, S1641C, S1681C.
Identifiers: ClinVar variation 588947 (VCV000588947.5), dbSNP rs1562346609, ClinGen allele CA366242366.

ClinVar aggregate classification (germline): Uncertain significance (1 of 4 stars; one submission).

Conditions:
Inborn genetic diseases. Identifiers: MedGen C0950123, MeSH D030342.

Submission:

Ambry Genetics
Classification: Uncertain significance for Inborn genetic diseases. Last evaluated: 2017-04-11. Review status: criteria provided, single submitter. Criteria: Ambry Variant Classification Scheme 2023. Collection method: clinical testing. Allele origin: germline.
Comment: The p.S1558C variant (also known as c.4673C>G), located in coding exon 18 of the ARID1B gene, results from a C to G substitution at nucleotide position 4673. The serine at codon 1558 is replaced by cysteine, an amino acid with dissimilar properties. This amino acid position is well conserved in available vertebrate species. In addition, this alteration is predicted to be tolerated by in silico analysis. Since supporting evidence is limited at this time, the clinical significance of this alteration remains unclear.